The following is an entry in ClinVar:

ClinVar aggregate classification (germline): Uncertain significance. Review status: criteria provided, multiple submitters, no conflicts (2 of 4 stars). 3 submissions from 3 submitters: Uncertain significance (3). Last evaluated 2025-10-01.

Conditions:
Melanoma, cutaneous malignant, susceptibility to, 8. Also called: MELANOMA AND RENAL CELL CARCINOMA, SUSCEPTIBILITY TO; Cutaneous malignant melanoma 8. Identifiers: Orphanet 293822, MedGen C3152204, MONDO:0013759, OMIM 614456.
Tietz syndrome (TADS). Also called: TIETZ ALBINISM-DEAFNESS SYNDROME; HYPOPIGMENTATION/DEAFNESS OF TIETZ; ALBINISM-DEAFNESS OF TIETZ. Identifiers: Orphanet 42665, MedGen C0391816, MONDO:0007077, OMIM 103500.
Waardenburg syndrome type 2A (WS2A). Also called: WAARDENBURG SYNDROME WITHOUT DYSTOPIA CANTHORUM. Identifiers: Orphanet 3440, MedGen C1860339, MONDO:0008671, OMIM 193510.
Hereditary cancer-predisposing syndrome. Also called: Hereditary Cancer Syndrome; Tumor predisposition; Hereditary neoplastic syndrome; Neoplastic Syndromes, Hereditary. Identifiers: Orphanet 140162, MedGen C0027672, MeSH D009386, MONDO:0015356.

Allele frequency attached by ClinVar (database versions not stated): TOPMed below 0.00001.

Submissions (3):

Labcorp Genetics (formerly Invitae), Labcorp
Classification: Uncertain significance for Melanoma, cutaneous malignant, susceptibility to, 8; Waardenburg syndrome type 2A; Tietz syndrome. Last evaluated: 2025-10-01. Review status: criteria provided, single submitter. Criteria: Invitae Variant Classification Sherloc (09022015). Collection method: clinical testing. Allele origin: germline.
Comment: This sequence change replaces asparagine, which is neutral and polar, with lysine, which is basic and polar, at codon 81 of the MITF protein (p.Asn81Lys). This variant is not present in population databases (gnomAD no frequency). This variant has not been reported in the literature in individuals affected with MITF-related conditions. ClinVar contains an entry for this variant (Variation ID: 2192398). Invitae Evidence Modeling of protein sequence and biophysical properties (such as structural, functional, and spatial information, amino acid conservation, physicochemical variation, residue mobility, and thermodynamic stability) has been performed for this missense variant. However, the output from this modeling did not meet the statistical confidence thresholds required to predict the impact of this variant on MITF protein function. In summary, the available evidence is currently insufficient to determine the role of this variant in disease. Therefore, it has been classified as a Variant of Uncertain Significance.

Ambry Genetics
Classification: Uncertain significance for Hereditary cancer-predisposing syndrome. Last evaluated: 2025-02-08. Review status: criteria provided, single submitter. Criteria: Ambry Variant Classification Scheme 2023. Collection method: clinical testing. Allele origin: germline.
Comment: The p.N81K variant (also known as c.243C>A), located in coding exon 2 of the MITF gene, results from a C to A substitution at nucleotide position 243. The asparagine at codon 81 is replaced by lysine, an amino acid with similar properties. This amino acid position is conserved. In addition, this alteration is predicted to be tolerated by in silico analysis. Based on the available evidence, the clinical significance of this variant remains unclear.

GeneDx
Classification: Uncertain significance. Last evaluated: 2022-09-02. Review status: criteria provided, single submitter. Criteria: GeneDx Variant Classification Process June 2021. Collection method: clinical testing. Allele origin: germline. Affected: yes.
Comment: Not observed at significant frequency in large population cohorts (gnomAD); In silico analysis supports that this missense variant does not alter protein structure/function; Has not been previously published as pathogenic or benign to our knowledge

NM_001354604.2(MITF):c.564C>A (p.Asn188Lys)

Gene: MITF (melanocyte inducing transcription factor; plus strand). Cytogenetic location: 3p13.
Variant type: single nucleotide variant.
Coding change: c.564C>A on transcript NM_001354604.2 (MANE Select); coding-DNA position 564, C replaced by A.
Protein change: p.Asn188Lys; replaces asparagine 188 with lysine.
Molecular consequence: missense variant. On other transcripts: intron variant (1).
Genome position (GRCh38, 1-based): chr3:69,938,031, C>A. VCF-style: chr3-69938031-C-A. GRCh37 (hg19) VCF-style: chr3-69987182-C-A.
Other names: c.513C>A, p.Asn171Lys (NM_001354607.2); c.408C>A, p.Asn136Lys (NM_001354608.2, NM_001184967.2); c.561C>A, p.Asn187Lys (NM_006722.3, NM_001354605.2, NM_001354606.2); c.243C>A, p.Asn81Lys (NM_198158.3, NM_000248.4, NM_001184968.2); c.564C>A, p.Asn188Lys (NM_198159.3); c.516C>A, p.Asn172Lys (NM_198177.3); c.93+150C>A (NM_198178.3); short protein forms N136K, N187K, N188K, N171K, N172K, N81K.
Identifiers: ClinVar variation 2192398 (VCV002192398.6), dbSNP rs2065884863, ClinGen allele CA353560711.